The following is an entry in ClinVar:

ClinVar aggregate classification (germline): Uncertain significance (1 of 4 stars; one submission).

Submission:

Ambry Genetics
Classification: Uncertain significance. Last evaluated: 2026-08-15. Review status: criteria provided, single submitter. Criteria: Ambry Variant Classification Scheme 2023. Collection method: clinical testing. Allele origin: germline.
Comment: The p.T159I variant (also known as c.476C>T), located in coding exon 4 of the RECQL gene, results from a C to T substitution at nucleotide position 476. The threonine at codon 159 is replaced by isoleucine, an amino acid with similar properties. This amino acid position is conserved. In addition, the in silico prediction for this alteration is inconclusive. Based on the available evidence, the clinical significance of this variant remains unclear.

NM_002907.4(RECQL):c.476C>T (p.Thr159Ile)

Gene: RECQL (RecQ like helicase; minus strand). Cytogenetic location: 12p12.1.
Variant type: single nucleotide variant.
Coding change: c.476C>T on transcript NM_002907.4 (MANE Select); coding-DNA position 476, C replaced by T.
Protein change: p.Thr159Ile; replaces threonine 159 with isoleucine.
Molecular consequence: missense variant.
Genome position (GRCh38, 1-based): chr12:21,486,504, G>A on the plus strand (C>T on the coding strand, the complement: RECQL is on the minus strand). VCF-style: chr12-21486504-G-A. GRCh37 (hg19) VCF-style: chr12-21639438-G-A.
Other names: c.476C>T, p.Thr159Ile (NM_032941.3); short protein forms T159I.
Identifiers: ClinVar variation 5028056 (VCV005028056.1).
Genomic context (GRCh38, chr12:21,486,504, plus strand): 5'-TTTACATTAAAAAAAAAAAAGCCACTGAAACATACCTTAGAACTAGAAGCATTTAACATG[G>A]TTGCTGAAATTCCTAATTGTTTTAAAACCATTAATTGGTCTTCCATAAGAGAGATCAATG-3'
Protein context (NP_002898.2, residues 149-169): MVLKQLGISA[Thr159Ile]MLNASSSKEH